The following is an entry in ClinVar:

NM_177438.3(DICER1):c.4943G>A (p.Cys1648Tyr)

Gene: DICER1 (dicer 1, ribonuclease III; minus strand). Cytogenetic location: 14q32.13.
Variant type: single nucleotide variant.
Coding change: c.4943G>A on transcript NM_177438.3 (MANE Select); coding-DNA position 4943, G replaced by A.
Protein change: p.Cys1648Tyr; replaces cysteine 1648 with tyrosine.
Molecular consequence: missense variant.
Genome position (GRCh38, 1-based): chr14:95,095,977, C>T on the plus strand (G>A on the coding strand, the complement: DICER1 is on the minus strand). VCF-style: chr14-95095977-C-T. GRCh37 (hg19) VCF-style: chr14-95562314-C-T.
Other names: c.4943G>A, p.Cys1648Tyr (NM_001195573.1, NM_001271282.3, NM_001291628.2 and 1 more transcripts); short protein forms C1648Y.
Identifiers: ClinVar variation 657469 (VCV000657469.11), dbSNP rs754575679, ClinGen allele CA265897728.

ClinVar aggregate classification (germline): Uncertain significance. Review status: criteria provided, multiple submitters, no conflicts (2 of 4 stars). 2 submissions from 2 submitters: Uncertain significance (2). Last evaluated 2025-11-03.

Conditions:
Hereditary cancer-predisposing syndrome. Also called: Neoplastic Syndromes, Hereditary; Hereditary neoplastic syndrome; Hereditary Cancer Syndrome; Tumor predisposition. Identifiers: Orphanet 140162, MedGen C0027672, MeSH D009386, MONDO:0015356.
DICER1-related tumor predisposition. Also called: DICER1 syndrome; DICER1-related pleuropulmonary blastoma cancer predisposition syndrome. Identifiers: Orphanet 284343, MedGen C3839822, MONDO:0100216.

Allele frequency attached by ClinVar (database versions not stated): gnomAD exomes 0.00001.
gnomAD v4.1: 14 of 1,614,194 alleles (0.00087%); highest among the groups gnomAD compares: Non-Finnish European, 0.0011%; no homozygotes.

Submissions (2):

Labcorp Genetics (formerly Invitae), Labcorp
Classification: Uncertain significance for DICER1-related tumor predisposition. Last evaluated: 2025-11-03. Review status: criteria provided, single submitter. Criteria: Invitae Variant Classification Sherloc (09022015). Collection method: clinical testing. Allele origin: germline.
Comment: This sequence change replaces cysteine, which is neutral and slightly polar, with tyrosine, which is neutral and polar, at codon 1648 of the DICER1 protein (p.Cys1648Tyr). This variant is not present in population databases (gnomAD no frequency). This variant has not been reported in the literature in individuals affected with DICER1-related conditions. ClinVar contains an entry for this variant (Variation ID: 657469). Invitae Evidence Modeling of protein sequence and biophysical properties (such as structural, functional, and spatial information, amino acid conservation, physicochemical variation, residue mobility, and thermodynamic stability) indicates that this missense variant is not expected to disrupt DICER1 protein function with a negative predictive value of 95%. In summary, the available evidence is currently insufficient to determine the role of this variant in disease. Therefore, it has been classified as a Variant of Uncertain Significance.

Ambry Genetics
Classification: Uncertain significance for Hereditary cancer-predisposing syndrome. Last evaluated: 2024-04-23. Review status: criteria provided, single submitter. Criteria: Ambry Variant Classification Scheme 2023. Collection method: clinical testing. Allele origin: germline.
Comment: The p.C1648Y variant (also known as c.4943G>A), located in coding exon 22 of the DICER1 gene, results from a G to A substitution at nucleotide position 4943. The cysteine at codon 1648 is replaced by tyrosine, an amino acid with highly dissimilar properties. In a study looking at cancer predisposition mutations in patients with cutaneous melanoma and a history of at least two additional non-cutaneous melanoma primary cancers, this alteration was identified in 1/57 cases and 0/1358 non-cancer control individuals (Pritchard AL et al. PLoS One, 2018 Apr;13:e0194098). This amino acid position is well conserved in available vertebrate species. In addition, this alteration is predicted to be deleterious by in silico analysis. Since supporting evidence is limited at this time, the clinical significance of this alteration remains unclear.

Literature cited by the submitters: PubMed 29641532 (cited by Ambry Genetics).